The following is an entry in ClinVar:

NM_002184.4(IL6ST):c.1684A>G (p.Ile562Val)

Gene: IL6ST (interleukin 6 cytokine family signal transducer; minus strand). Cytogenetic location: 5q11.2.
Variant type: single nucleotide variant.
Coding change: c.1684A>G on transcript NM_002184.4 (MANE Select); coding-DNA position 1684, A replaced by G.
Protein change: p.Ile562Val; replaces isoleucine 562 with valine.
Molecular consequence: missense variant. On other transcripts: 3 prime UTR variant (1), non-coding transcript variant (2).
Genome position (GRCh38, 1-based): chr5:55,951,944, T>C on the plus strand (A>G on the coding strand, the complement: IL6ST is on the minus strand). VCF-style: chr5-55951944-T-C. GRCh37 (hg19) VCF-style: chr5-55247772-T-C.
Other names: c.781A>G, p.Ile261Val (NM_001364278.2); c.688A>G, p.Ile230Val (NM_001364279.2); c.*611A>G (NM_175767.3); c.1501A>G, p.Ile501Val (NM_001190981.2); c.1582A>G, p.Ile528Val (NM_001364275.2); c.1474A>G, p.Ile492Val (NM_001364276.2); c.817A>G, p.Ile273Val (NM_001364277.2); short protein forms I230V, I501V, I528V, I562V, I261V, I273V, I492V.
Identifiers: ClinVar variation 3677411 (VCV003677411.2).

ClinVar aggregate classification (germline): Uncertain significance (1 of 4 stars; one submission).

gnomAD v4.1: 1 of 1,467,154 alleles (0.000068%); highest among the groups gnomAD compares: Admixed American, 0.0018%; no homozygotes.

Submission:

Labcorp Genetics (formerly Invitae), Labcorp
Classification: Uncertain significance. Last evaluated: 2024-11-28. Review status: criteria provided, single submitter. Criteria: Invitae Variant Classification Sherloc (09022015). Collection method: clinical testing. Allele origin: germline.
Comment: This sequence change replaces isoleucine, which is neutral and non-polar, with valine, which is neutral and non-polar, at codon 562 of the IL6ST protein (p.Ile562Val). The frequency data for this variant in the population databases is considered unreliable, as metrics indicate poor data quality at this position in the gnomAD database. This variant has not been reported in the literature in individuals affected with IL6ST-related conditions. An algorithm developed to predict the effect of missense changes on protein structure and function outputs the following: PolyPhen-2: "Benign". The valine amino acid residue is found in multiple mammalian species, which suggests that this missense change does not adversely affect protein function. In summary, the available evidence is currently insufficient to determine the role of this variant in disease. Therefore, it has been classified as a Variant of Uncertain Significance.